The following is an entry in ClinVar:

ClinVar aggregate classification (germline): Uncertain significance (1 of 4 stars; one submission).

Conditions:
Hereditary cancer-predisposing syndrome. Also called: Neoplastic Syndromes, Hereditary; Tumor predisposition; Hereditary Cancer Syndrome; Hereditary neoplastic syndrome. Identifiers: Orphanet 140162, MedGen C0027672, MeSH D009386, MONDO:0015356.

Submission:

Ambry Genetics
Classification: Uncertain significance for Hereditary cancer-predisposing syndrome. Last evaluated: 2025-06-27. Review status: criteria provided, single submitter. Criteria: Ambry Variant Classification Scheme 2023. Collection method: clinical testing. Allele origin: germline.
Comment: The p.P679T variant (also known as c.2035C>A), located in coding exon 11 of the ALK gene, results from a C to A substitution at nucleotide position 2035. The proline at codon 679 is replaced by threonine, an amino acid with highly similar properties. This amino acid position is conserved. In addition, the in silico prediction for this alteration is inconclusive. Since supporting evidence is limited at this time, the clinical significance of this alteration remains unclear.

NM_004304.5(ALK):c.2035C>A (p.Pro679Thr)

Gene: ALK (ALK receptor tyrosine kinase; minus strand). Cytogenetic location: 2p23.2.
Variant type: single nucleotide variant.
Coding change: c.2035C>A on transcript NM_004304.5 (MANE Select); coding-DNA position 2035, C replaced by A.
Protein change: p.Pro679Thr; replaces proline 679 with threonine.
Molecular consequence: missense variant.
Genome position (GRCh38, 1-based): chr2:29,275,105, G>T on the plus strand (C>A on the coding strand, the complement: ALK is on the minus strand). VCF-style: chr2-29275105-G-T. GRCh37 (hg19) VCF-style: chr2-29497971-G-T.
Other names: short protein forms P679T.
Identifiers: ClinVar variation 1784809 (VCV001784809.3), dbSNP rs2148214967, ClinGen allele CA346479574.